The following is an entry in ClinVar:

NM_003334.4(UBA1):c.436G>A (p.Ala146Thr)

Gene: UBA1 (ubiquitin like modifier activating enzyme 1; plus strand). Cytogenetic location: Xp11.3.
Variant type: single nucleotide variant.
Coding change: c.436G>A on transcript NM_003334.4 (MANE Select); coding-DNA position 436, G replaced by A.
Protein change: p.Ala146Thr; replaces alanine 146 with threonine.
Molecular consequence: missense variant.
Genome position (GRCh38, 1-based): chrX:47,199,570, G>A. VCF-style: chrX-47199570-G-A. GRCh37 (hg19) VCF-style: chrX-47058969-G-A.
Other names: c.436G>A, p.Ala146Thr (NM_153280.3); short protein forms A146T.
Identifiers: ClinVar variation 1047097 (VCV001047097.8), dbSNP rs781969406, ClinGen allele CA10395678.
Genomic context (GRCh38, chrX:47,199,570, plus strand): 5'-AACCGGGCCGAGGTATCACAGCCCCGCCTCGCTGAGCTCAACAGCTATGTGCCTGTCACT[G>A]CCTACACTGGACCCCTCGTTGAGGACTTCCTTAGTGGTTTCCAGGTATCTTGGGGGTACT-3'
Protein context (NP_003325.2, residues 136-156): AELNSYVPVT[Ala146Thr]YTGPLVEDFL

ClinVar aggregate classification (germline): Uncertain significance (1 of 4 stars; one submission).

Conditions:
Infantile-onset X-linked spinal muscular atrophy. Also called: AMC, DISTAL, X-LINKED; ARTHROGRYPOSIS, X-LINKED, TYPE I; SPINAL MUSCULAR ATROPHY, X-LINKED LETHAL INFANTILE; Spinal Muscular Atrophy, X-Linked Infantile; Spinal muscular atrophy, X-linked 2. Identifiers: Orphanet 1145, MedGen C1844934, MONDO:0010532, OMIM 301830.

Allele frequency attached by ClinVar (database versions not stated): gnomAD exomes below 0.00001 and 0.00001; ExAC 0.00001; TOPMed 0.00001; gnomAD 0.00003.

Submission:

Labcorp Genetics (formerly Invitae), Labcorp
Classification: Uncertain significance for Infantile-onset X-linked spinal muscular atrophy. Last evaluated: 2022-07-26. Review status: criteria provided, single submitter. Criteria: Invitae Variant Classification Sherloc (09022015). Collection method: clinical testing. Allele origin: germline.
Comment: This variant is present in population databases (rs781969406, gnomAD 0.008%), including at least one homozygous and/or hemizygous individual. In summary, the available evidence is currently insufficient to determine the role of this variant in disease. Therefore, it has been classified as a Variant of Uncertain Significance. Algorithms developed to predict the effect of missense changes on protein structure and function (SIFT, PolyPhen-2, Align-GVGD) all suggest that this variant is likely to be tolerated. ClinVar contains an entry for this variant (Variation ID: 1047097). This variant has not been reported in the literature in individuals affected with UBA1-related conditions. This sequence change replaces alanine, which is neutral and non-polar, with threonine, which is neutral and polar, at codon 146 of the UBA1 protein (p.Ala146Thr).